The following is an entry in ClinVar:

ClinVar aggregate classification (germline): Uncertain significance (1 of 4 stars; one submission).

Submission:

Labcorp Genetics (formerly Invitae), Labcorp
Classification: Uncertain significance. Last evaluated: 2024-11-25. Review status: criteria provided, single submitter. Criteria: Invitae Variant Classification Sherloc (09022015). Collection method: clinical testing. Allele origin: germline.
Comment: This sequence change falls in intron 24 of the COL4A6 gene. It does not directly change the encoded amino acid sequence of the COL4A6 protein. It affects a nucleotide within the consensus splice site. This variant is not present in population databases (gnomAD no frequency). This variant has not been reported in the literature in individuals affected with COL4A6-related conditions. Variants that disrupt the consensus splice site are a relatively common cause of aberrant splicing (PMID: 17576681, 9536098). Algorithms developed to predict the effect of sequence changes on RNA splicing suggest that this variant may disrupt the consensus splice site. In summary, the available evidence is currently insufficient to determine the role of this variant in disease. Therefore, it has been classified as a Variant of Uncertain Significance.

Literature cited by the submitters: PubMed 17576681; PubMed 9536098.

NM_033641.4(COL4A6):c.2023+3A>G

Gene: COL4A6 (collagen type IV alpha 6 chain; minus strand). Cytogenetic location: Xq22.3.
Variant type: single nucleotide variant.
Coding change: c.2023+3A>G on transcript NM_033641.4 (MANE Select); 3 bases into the intron after coding-DNA position 2023, A replaced by G.
Molecular consequence: intron variant.
Genome position (GRCh38, 1-based): chrX:108,180,894, T>C on the plus strand (A>G on the coding strand, the complement: COL4A6 is on the minus strand). VCF-style: chrX-108180894-T-C. GRCh37 (hg19) VCF-style: chrX-107424124-T-C.
Other names: c.2026+3A>G (NM_001847.4); c.2023+3A>G (NM_001287760.2, NM_001287759.2); c.2074+3A>G (NM_001287758.2).
Identifiers: ClinVar variation 3621608 (VCV003621608.2).